The following is an entry in ClinVar:

NM_002439.5(MSH3):c.2791delinsTC (p.Ile931fs)

Gene: MSH3 (mutS homolog 3; plus strand). Cytogenetic location: 5q14.1.
Variant type: Indel.
Coding change: c.2791delinsTC on transcript NM_002439.5 (MANE Select); coding-DNA position 2791, A replaced by TC.
Protein change: p.Ile931fs; shifts the reading frame from isoleucine 931.
Molecular consequence: frameshift variant.
Genome position (GRCh38, 1-based): chr5:80,813,719, A replaced by TC. VCF-style: chr5-80813719-A-TC. GRCh37 (hg19) VCF-style: chr5-80109538-A-TC.
Other names: short protein forms I931fs.
Identifiers: ClinVar variation 1796055 (VCV001796055.4), dbSNP rs2546797450, ClinGen allele CA2580073560.

ClinVar aggregate classification (germline): Pathogenic. Review status: criteria provided, multiple submitters, no conflicts (2 of 4 stars). 2 submissions from 2 submitters: Pathogenic (2). Last evaluated 2025-08-20.

Conditions:
Familial adenomatous polyposis 4 (FAP4). Also called: MSH3-related attenuated familial adenomatous polyposis. Identifiers: Orphanet 480536, MedGen C4310719, MONDO:0044300, OMIM 617100.
Hereditary cancer-predisposing syndrome. Also called: Tumor predisposition; Hereditary Cancer Syndrome; Neoplastic Syndromes, Hereditary; Hereditary neoplastic syndrome. Identifiers: Orphanet 140162, MedGen C0027672, MeSH D009386, MONDO:0015356.

Submissions (2):

Ambry Genetics
Classification: Pathogenic for Hereditary cancer-predisposing syndrome. Last evaluated: 2025-08-20. Review status: criteria provided, single submitter. Criteria: Ambry Variant Classification Scheme 2023. Collection method: clinical testing. Allele origin: germline.
Comment: The c.2791delAinsTC pathogenic mutation, located in coding exon 20 of the MSH3 gene, results from the deletion of one nucleotide and insertion of two nucleotides causing a translational frameshift with a predicted alternate stop codon (p.I931Sfs*17). This variant is considered to be rare based on population cohorts in the Genome Aggregation Database (gnomAD). This alteration is expected to result in loss of function by premature protein truncation or nonsense-mediated mRNA decay. As such, this alteration is interpreted as a disease-causing mutation.

Myriad Genetics, Inc.
Classification: Pathogenic for Familial adenomatous polyposis 4. Last evaluated: 2023-08-31. Review status: criteria provided, single submitter. Criteria: Myriad Autosomal Dominant, Autosomal Recessive and X-Linked Classification Criteria (2023). Collection method: clinical testing. Allele origin: unknown.
Comment: This variant is considered pathogenic. This variant creates a frameshift predicted to result in premature protein truncation.